The following is an entry in ClinVar:

ClinVar aggregate classification (germline): Benign. Review status: criteria provided, multiple submitters, no conflicts (2 of 4 stars). 2 submissions from 2 submitters: Benign (2). Last evaluated 2018-06-14.

Allele frequency attached by ClinVar (database versions not stated): 1000 Genomes Project 0.63638; gnomAD exomes 0.73870; gnomAD 0.61360 and 0.62430; 1000 Genomes Project 30x 0.62008; TOPMed 0.59828.
gnomAD v4.1: 959,148 of 1,322,654 alleles (73%); highest among the groups gnomAD compares: East Asian, 91%; 355,295 homozygotes.

Submissions (2):

GeneDx
Classification: Benign. Last evaluated: 2018-06-14. Review status: criteria provided, single submitter. Criteria: GeneDx Variant Classification (06012015). Collection method: clinical testing. Allele origin: germline. Affected: yes.
Comment: This variant is considered likely benign or benign based on one or more of the following criteria: it is a conservative change, it occurs at a poorly conserved position in the protein, it is predicted to be benign by multiple in silico algorithms, and/or has population frequency not consistent with disease.

Breakthrough Genomics
Classification: Benign. Review status: criteria provided, single submitter. Criteria: ACMG Guidelines, 2015. Collection method: not provided. Allele origin: germline. Inheritance: Autosomal dominant inheritance. Affected: yes.

NM_000814.6(GABRB3):c.241-7714A>G

Gene: GABRB3 (gamma-aminobutyric acid type A receptor subunit beta3; minus strand). Cytogenetic location: 15q12.
Variant type: single nucleotide variant.
Coding change: c.241-7714A>G on transcript NM_000814.6 (MANE Select); 7714 bases into the intron before coding-DNA position 241, A replaced by G.
Molecular consequence: intron variant.
Genome position (GRCh38, 1-based): chr15:26,629,248, T>C on the plus strand (A>G on the coding strand, the complement: GABRB3 is on the minus strand). VCF-style: chr15-26629248-T-C. GRCh37 (hg19) VCF-style: chr15-26874395-T-C.
Other names: c.241-7714A>G (NM_021912.5); c.-15-7714A>G (NM_001278631.2, NM_001191320.2).
Identifiers: ClinVar variation 680281 (VCV000680281.2), dbSNP rs12148310, ClinGen allele CA14176162.
Genomic context (GRCh38, chr15:26,629,248, plus strand): 5'-GGCTTTGCGAAGCGGCGGCAATCAGGGGCGGGGCCTGGAAAGGAGGGCAGCGCGGAAGCT[T>C]GGCCCCGAGAGGGAGGAGGCGTGGTCTGTGGCTCGAGGGGCGTGGCCCGTAGCGGAAAAG-3'